The following is an entry in ClinVar:

ClinVar aggregate classification (germline): Likely pathogenic (1 of 4 stars; one submission).

Conditions:
Glycine encephalopathy. Also called: Non-ketotic hyperglycinemia; Nonketotic hyperglycinemia. Identifiers: Orphanet 407, MedGen C0751748, MONDO:0011612, HP:0008288.

Submission:

Myriad Genetics, Inc.
Classification: Likely pathogenic for Glycine encephalopathy 1. Last evaluated: 2019-12-04. Review status: criteria provided, single submitter. Criteria: Myriad Women's Health Autosomal Recessive and X-Linked Classification Criteria (2019). Collection method: clinical testing. Allele origin: unknown.
Comment: NM_000170.2(GLDC):c.2800G>T(E934*) is expected to be pathogenic in the context of GLDC-related glycine encephalopathy. This variant is predicted to lead to an abnormal or absent protein product due to the creation of a premature termination codon in GLDC, a gene where loss-of-function variants are known to be pathogenic. Please note: this variant was assessed in the context of healthy population screening.

NM_000170.3(GLDC):c.2800G>T (p.Glu934Ter)

Gene: GLDC (glycine decarboxylase; minus strand). Cytogenetic location: 9p24.1.
Variant type: single nucleotide variant.
Coding change: c.2800G>T on transcript NM_000170.3 (MANE Select); coding-DNA position 2800, G replaced by T.
Protein change: p.Glu934Ter; replaces glutamic acid 934 with a stop codon.
Molecular consequence: nonsense.
Genome position (GRCh38, 1-based): chr9:6,536,102, C>A on the plus strand (G>T on the coding strand, the complement: GLDC is on the minus strand). VCF-style: chr9-6536102-C-A. GRCh37 (hg19) VCF-style: chr9-6536102-C-A.
Other names: short protein forms E934*.
Identifiers: ClinVar variation 983744 (VCV000983744.3), dbSNP rs1817121202, ClinGen allele CA372882557.